The following is an entry in ClinVar:

ClinVar aggregate classification (germline): Uncertain significance (1 of 4 stars; one submission).

Allele frequency attached by ClinVar (database versions not stated): gnomAD exomes below 0.00001; gnomAD 0.00001 and 0.00002; 1000 Genomes Project 30x 0.00031; 1000 Genomes Project 0.00040.
gnomAD v4.1: 4 of 1,614,072 alleles (0.00025%); highest among the groups gnomAD compares: Admixed American, 0.0067%; no homozygotes.

Submission:

Labcorp Genetics (formerly Invitae), Labcorp
Classification: Uncertain significance. Last evaluated: 2023-11-27. Review status: criteria provided, single submitter. Criteria: Invitae Variant Classification Sherloc (09022015). Collection method: clinical testing. Allele origin: germline.
Comment: This sequence change replaces valine, which is neutral and non-polar, with isoleucine, which is neutral and non-polar, at codon 1154 of the DUOX2 protein (p.Val1154Ile). This variant is present in population databases (rs533512371, gnomAD 0.0009%). This variant has not been reported in the literature in individuals affected with DUOX2-related conditions. ClinVar contains an entry for this variant (Variation ID: 1422432). Advanced modeling of protein sequence and biophysical properties (such as structural, functional, and spatial information, amino acid conservation, physicochemical variation, residue mobility, and thermodynamic stability) performed at Invitae indicates that this missense variant is not expected to disrupt DUOX2 protein function with a negative predictive value of 80%. In summary, the available evidence is currently insufficient to determine the role of this variant in disease. Therefore, it has been classified as a Variant of Uncertain Significance.

NM_001363711.2(DUOX2):c.3460G>A (p.Val1154Ile)

Gene: DUOX2 (dual oxidase 2; minus strand). Cytogenetic location: 15q21.1.
Variant type: single nucleotide variant.
Coding change: c.3460G>A on transcript NM_001363711.2 (MANE Select); coding-DNA position 3460, G replaced by A.
Protein change: p.Val1154Ile; replaces valine 1154 with isoleucine.
Molecular consequence: missense variant.
Genome position (GRCh38, 1-based): chr15:45,099,438, C>T on the plus strand (G>A on the coding strand, the complement: DUOX2 is on the minus strand). VCF-style: chr15-45099438-C-T. GRCh37 (hg19) VCF-style: chr15-45391636-C-T.
Other names: c.3460G>A, p.Val1154Ile (NM_014080.5); short protein forms V1154I.
Identifiers: ClinVar variation 1422432 (VCV001422432.8), dbSNP rs533512371, ClinGen allele CA270122217.